The following is an entry in ClinVar:

NM_030665.4(RAI1):c.1797C>A (p.Leu599=)

Gene: RAI1 (retinoic acid induced 1; plus strand). Cytogenetic location: 17p11.2.
Variant type: single nucleotide variant.
Coding change: c.1797C>A on transcript NM_030665.4 (MANE Select); coding-DNA position 1797, C replaced by A.
Protein change: p.Leu599=; no amino-acid change (leucine 599 retained).
Molecular consequence: synonymous variant.
Genome position (GRCh38, 1-based): chr17:17,794,745, C>A. VCF-style: chr17-17794745-C-A. GRCh37 (hg19) VCF-style: chr17-17698059-C-A.
Other names: c.1797C>A (NM_030665.3).
Identifiers: ClinVar variation 1606907 (VCV001606907.9), dbSNP rs373388618, ClinGen allele CA8418405.

ClinVar aggregate classification (germline): Likely benign. Review status: criteria provided, single submitter (1 of 4 stars). 2 submissions from 2 submitters: Likely benign (1). 1 of the submissions does not count toward it. Last evaluated 2024-05-10.

Conditions:
RAI1-related disorder. Also called: RAI1-related condition.

Allele frequency attached by ClinVar (database versions not stated): ExAC 0.00002; ESP Exome Variant Server 0.00008.
gnomAD v4.1: 21 of 1,612,416 alleles (0.0013%); highest among the groups gnomAD compares: Non-Finnish European, 0.0017%; no homozygotes.

Submissions (2):

Labcorp Genetics (formerly Invitae), Labcorp
Classification: Likely benign. Last evaluated: 2024-05-10. Review status: criteria provided, single submitter. Criteria: Invitae Variant Classification Sherloc (09022015). Collection method: clinical testing. Allele origin: germline.

PreventionGenetics, part of Exact Sciences
Classification: Likely benign for RAI1-related condition. Last evaluated: 2023-07-18. Review status: no assertion criteria provided. Collection method: clinical testing. Allele origin: germline. Not counted in ClinVar's aggregate classification.
Comment: This variant is classified as likely benign based on ACMG/AMP sequence variant interpretation guidelines (Richards et al. 2015 PMID: 25741868, with internal and published modifications).